The following is an entry in ClinVar:

ClinVar aggregate classification (germline): Uncertain significance (1 of 4 stars; one submission).

Conditions:
Combined immunodeficiency due to STIM1 deficiency. Also called: IMMUNODEFICIENCY 10; STIM1 DEFICIENCY. Identifiers: Orphanet 169090, Orphanet 317430, MedGen C2748557, MONDO:0013008, OMIM 612783.
Myopathy with tubular aggregates (TAM). Also called: Tubular Aggregate Myopathy. Identifiers: Orphanet 2593, MedGen C0410207, MONDO:0008051.
Stormorken syndrome (STRMK). Also called: THROMBOCYTOPATHY, ASPLENIA, AND MIOSIS. Identifiers: Orphanet 3204, MedGen C1861451, MONDO:0008497, OMIM 185070.

Submission:

Labcorp Genetics (formerly Invitae), Labcorp
Classification: Uncertain significance for Myopathy with tubular aggregates; Combined immunodeficiency due to STIM1 deficiency; Stormorken syndrome. Last evaluated: 2020-07-23. Review status: criteria provided, single submitter. Criteria: Invitae Variant Classification Sherloc (09022015). Collection method: clinical testing. Allele origin: germline.
Comment: In summary, the available evidence is currently insufficient to determine the role of this variant in disease. Therefore, it has been classified as a Variant of Uncertain Significance. Algorithms developed to predict the effect of missense changes on protein structure and function are either unavailable or do not agree on the potential impact of this missense change (SIFT: "Tolerated"; PolyPhen-2: "Possibly Damaging"; Align-GVGD: "Class C0"). This variant has not been reported in the literature in individuals with STIM1-related conditions. This variant is not present in population databases (ExAC no frequency). This sequence change replaces threonine with alanine at codon 626 of the STIM1 protein (p.Thr626Ala). The threonine residue is weakly conserved and there is a small physicochemical difference between threonine and alanine.

NM_001382567.1(STIM1):c.1969A>G (p.Thr657Ala)

Genes: STIM1 (stromal interaction molecule 1; plus strand), LOC124418421 (Sharpr-MPRA regulatory region 9588; plus strand). Cytogenetic location: 11p15.4.
Variant type: single nucleotide variant.
Coding change: c.1969A>G on transcript NM_001382567.1 (MANE Select); coding-DNA position 1969, A replaced by G.
Protein change: p.Thr657Ala; replaces threonine 657 with alanine.
Molecular consequence: missense variant. On other transcripts: 3 prime UTR variant (4), non-coding transcript variant (3).
Genome position (GRCh38, 1-based): chr11:4,091,616, A>G. VCF-style: chr11-4091616-A-G. GRCh37 (hg19) VCF-style: chr11-4112846-A-G.
Other names: c.2194A>G, p.Thr732Ala (NM_001277961.3); c.*290A>G (NM_001277962.2, NM_001382578.1, NM_001382579.1 and 1 more transcripts); c.1972A>G, p.Thr658Ala (NM_001382566.1); c.1897A>G, p.Thr633Ala (NM_001382568.1); c.1741A>G, p.Thr581Ala (NM_001382569.1); c.1648A>G, p.Thr550Ala (NM_001382570.1); c.1396A>G, p.Thr466Ala (NM_001382571.1); c.1654A>G, p.Thr552Ala (NM_001382575.1, NM_001382576.1, NM_001382577.1); and 2 more; short protein forms T463A, T466A, T550A, T552A, T581A, T626A, T633A, T657A.
Identifiers: ClinVar variation 1008397 (VCV001008397.9), dbSNP rs2094525733, ClinGen allele CA379197757.